The following is an entry in ClinVar:

ClinVar aggregate classification (germline): Uncertain significance. Review status: criteria provided, multiple submitters, no conflicts (2 of 4 stars). 2 submissions from 2 submitters: Uncertain significance (2). Last evaluated 2026-01-12.

Conditions:
Mitochondrial complex IV deficiency, nuclear type 10. Also called: Mitochondrial complex 4 deficiency, nuclear type 10. Identifiers: MedGen C5436692, MONDO:0033639, OMIM 619053.

Allele frequency attached by ClinVar (database versions not stated): gnomAD exomes 0.00006 and 0.00008; gnomAD 0.00007 and 0.00009; ExAC 0.00010; TOPMed 0.00011; ESP Exome Variant Server 0.00015.
gnomAD v4.1: 128 of 1,613,910 alleles (0.0079%); highest among the groups gnomAD compares: Non-Finnish European, 0.01%; no homozygotes.

Submissions (2):

Labcorp Genetics (formerly Invitae), Labcorp
Classification: Uncertain significance. Last evaluated: 2026-01-12. Review status: criteria provided, single submitter. Criteria: Invitae Variant Classification Sherloc (09022015). Collection method: clinical testing. Allele origin: germline.
Comment: This sequence change replaces tyrosine, which is neutral and polar, with cysteine, which is neutral and slightly polar, at codon 25 of the COX14 protein (p.Tyr25Cys). This variant is present in population databases (rs143095605, gnomAD 0.01%). This variant has not been reported in the literature in individuals affected with COX14-related conditions. ClinVar contains an entry for this variant (Variation ID: 1474457). An algorithm developed to predict the effect of missense changes on protein structure and function (PolyPhen-2) suggests that this variant is likely to be disruptive. In summary, the available evidence is currently insufficient to determine the role of this variant in disease. Therefore, it has been classified as a Variant of Uncertain Significance.

Fulgent Genetics
Classification: Uncertain significance for Mitochondrial complex IV deficiency, nuclear type 10. Last evaluated: 2021-08-16. Review status: criteria provided, single submitter. Criteria: ACMG Guidelines, 2015. Collection method: clinical testing. Allele origin: unknown.

NM_032901.4(COX14):c.74A>G (p.Tyr25Cys)

Gene: COX14 (cytochrome c oxidase assembly factor COX14; plus strand). Cytogenetic location: 12q13.12.
Variant type: single nucleotide variant.
Coding change: c.74A>G on transcript NM_032901.4 (MANE Select); coding-DNA position 74, A replaced by G.
Protein change: p.Tyr25Cys; replaces tyrosine 25 with cysteine.
Molecular consequence: missense variant.
Genome position (GRCh38, 1-based): chr12:50,120,117, A>G. VCF-style: chr12-50120117-A-G. GRCh37 (hg19) VCF-style: chr12-50513900-A-G.
Other names: c.74A>G, p.Tyr25Cys (NM_001257133.2, NM_001257134.2); short protein forms Y25C.
Identifiers: ClinVar variation 1474457 (VCV001474457.9), dbSNP rs143095605, ClinGen allele CA6561874.